The following is an entry in ClinVar:

NM_020297.4(ABCC9):c.1664T>C (p.Phe555Ser)

Gene: ABCC9 (ATP binding cassette subfamily C member 9; minus strand). Cytogenetic location: 12p12.1.
Variant type: single nucleotide variant.
Coding change: c.1664T>C on transcript NM_020297.4 (MANE Select); coding-DNA position 1664, T replaced by C.
Protein change: p.Phe555Ser; replaces phenylalanine 555 with serine.
Molecular consequence: missense variant.
Genome position (GRCh38, 1-based): chr12:21,894,170, A>G on the plus strand (T>C on the coding strand, the complement: ABCC9 is on the minus strand). VCF-style: chr12-21894170-A-G. GRCh37 (hg19) VCF-style: chr12-22047104-A-G.
Other names: c.1664T>C, p.Phe555Ser (NM_001377273.1, NM_005691.4); c.800T>C, p.Phe267Ser (NM_001377274.1); short protein forms F555S, F267S.
Identifiers: ClinVar variation 1034207 (VCV001034207.4), dbSNP rs1947296046, ClinGen allele CA384137477.

ClinVar aggregate classification (germline): Conflicting classifications of pathogenicity. Review status: criteria provided, conflicting classifications (1 of 4 stars). 2 submissions from 2 submitters: Likely pathogenic (1); Uncertain significance (1). Last evaluated 2022-01-31.

Conditions:
Dilated cardiomyopathy 1O (CMD1O). Also called: CARDIOMYOPATHY, DILATED, WITH VENTRICULAR TACHYCARDIA. Identifiers: Orphanet 154, MedGen C1837839, MONDO:0012062, OMIM 608569.

Submissions (2):

Greenwood Genetic Center Diagnostic Laboratories, Greenwood Genetic Center
Classification: Uncertain significance. Last evaluated: 2022-01-31. Review status: criteria provided, single submitter. Criteria: ACMG Guidelines, 2015. Collection method: clinical testing. Allele origin: germline. Affected: yes.
Comment: PP2, PP3, PM2

Baylor Genetics
Classification: Likely pathogenic for Dilated cardiomyopathy 1O. Last evaluated: 2018-02-27. Review status: criteria provided, single submitter. Criteria: ACMG Guidelines, 2015. Collection method: clinical testing. Allele origin: de novo. Affected: yes.
Comment: This variant was determined to be likely pathogenic according to ACMG Guidelines, 2015 [PMID:25741868].